The following is an entry in ClinVar:

NM_002850.4(PTPRS):c.4695G>A (p.Thr1565=)

Gene: PTPRS (protein tyrosine phosphatase receptor type S; minus strand). Cytogenetic location: 19p13.3.
Variant type: single nucleotide variant.
Coding change: c.4695G>A on transcript NM_002850.4 (MANE Select); coding-DNA position 4695, G replaced by A.
Protein change: p.Thr1565=; no amino-acid change (threonine 1565 retained).
Molecular consequence: synonymous variant.
Genome position (GRCh38, 1-based): chr19:5,212,411, C>T on the plus strand (G>A on the coding strand, the complement: PTPRS is on the minus strand). VCF-style: chr19-5212411-C-T. GRCh37 (hg19) VCF-style: chr19-5212422-C-T.
Other names: c.4629G>A, p.Thr1543= (NM_001394011.1); c.4608G>A, p.Thr1536= (NM_001394012.1); c.4569G>A, p.Thr1523= (NM_001394013.1); c.3354G>A, p.Thr1118= (NM_130853.3); c.4581G>A, p.Thr1527= (NM_130854.3); c.3366G>A, p.Thr1122= (NM_130855.3).
Identifiers: ClinVar variation 3041883 (VCV003041883.2), dbSNP rs61729508, ClinGen allele CA9109023.

ClinVar aggregate classification (germline): Likely benign (0 of 4 stars; one submission).

Conditions:
PTPRS-related disorder. Also called: PTPRS-related condition.

Allele frequency attached by ClinVar (database versions not stated): 1000 Genomes Project 0.00060; 1000 Genomes Project 30x 0.00062; gnomAD exomes 0.00101; ExAC 0.00105; gnomAD 0.00157; ESP Exome Variant Server 0.00161; TOPMed 0.00193.
gnomAD v4.1: 1,755 of 1,605,232 alleles (0.11%); highest among the groups gnomAD compares: African/African-American, 0.3%; 3 homozygotes.

Submission:

PreventionGenetics, part of Exact Sciences
Classification: Likely benign for PTPRS-related condition. Last evaluated: 2019-02-21. Review status: no assertion criteria provided. Collection method: clinical testing. Allele origin: germline.
Comment: This variant is classified as likely benign based on ACMG/AMP sequence variant interpretation guidelines (Richards et al. 2015 PMID: 25741868, with internal and published modifications).